The following is an entry in ClinVar:

ClinVar aggregate classification (germline): Benign/Likely benign. Review status: criteria provided, multiple submitters, no conflicts (2 of 4 stars). 2 submissions from 2 submitters: Benign (1); Likely benign (1). Last evaluated 2026-08-01.

gnomAD v4.1: 992 of 1,551,466 alleles (0.064%); highest among the groups gnomAD compares: South Asian, 1.1%; 12 homozygotes.

Submissions (2):

CeGaT Center for Human Genetics Tuebingen
Classification: Benign. Last evaluated: 2026-08-01. Review status: criteria provided, single submitter. Criteria: CeGaT Center For Human Genetics Tuebingen Variant Classification Criteria Version 2. Collection method: clinical testing. Allele origin: germline. Affected: yes. Observed: 1 variant allele.
Comment: SETD1B: BS1, BS2

Blueprint Genetics
Classification: Likely benign. Last evaluated: 2024-11-21. Review status: criteria provided, single submitter. Criteria: ACMG Guidelines, 2015. Collection method: clinical testing. Allele origin: germline.

NM_001353345.2(SETD1B):c.4001C>G (p.Pro1334Arg)

Gene: SETD1B (SET domain containing 1B, histone lysine methyltransferase; plus strand). Cytogenetic location: 12q24.31.
Variant type: single nucleotide variant.
Coding change: c.4001C>G on transcript NM_001353345.2 (MANE Select); coding-DNA position 4001, C replaced by G.
Protein change: p.Pro1334Arg; replaces proline 1334 with arginine.
Molecular consequence: missense variant.
Genome position (GRCh38, 1-based): chr12:121,822,580, C>G. VCF-style: chr12-121822580-C-G. GRCh37 (hg19) VCF-style: chr12-122260486-C-G.
Other names: short protein forms P1334R.
Identifiers: ClinVar variation 4919002 (VCV004919002.2).